The following is an entry in ClinVar:

NM_018294.6(CWF19L1):c.1461G>A (p.Leu487=)

Gene: CWF19L1 (CWF19 like cell cycle control factor 1; minus strand). Cytogenetic location: 10q24.31.
Variant type: single nucleotide variant.
Coding change: c.1461G>A on transcript NM_018294.6 (MANE Select); coding-DNA position 1461, G replaced by A.
Protein change: p.Leu487=; no amino-acid change (leucine 487 retained).
Molecular consequence: synonymous variant.
Genome position (GRCh38, 1-based): chr10:100,235,678, C>T on the plus strand (G>A on the coding strand, the complement: CWF19L1 is on the minus strand). VCF-style: chr10-100235678-C-T. GRCh37 (hg19) VCF-style: chr10-101995435-C-T.
Other names: c.1341G>A, p.Leu447= (NM_001303404.2); c.1050G>A, p.Leu350= (NM_001303405.2, NM_001303406.2); c.726G>A, p.Leu242= (NM_001303407.2).
Identifiers: ClinVar variation 4823693 (VCV004823693.4).

ClinVar aggregate classification (germline): Likely benign (1 of 4 stars; one submission).

Submission:

CeGaT Center for Human Genetics Tuebingen
Classification: Likely benign. Last evaluated: 2026-03-01. Review status: criteria provided, single submitter. Criteria: CeGaT Center For Human Genetics Tuebingen Variant Classification Criteria Version 2. Collection method: clinical testing. Allele origin: germline. Affected: yes. Observed: 1 variant allele.
Comment: CWF19L1: PM2:Supporting, BP4, BP7